The following is an entry in ClinVar:

NM_001854.4(COL11A1):c.2168C>A (p.Ala723Asp)

Gene: COL11A1 (collagen type XI alpha 1 chain; minus strand). Cytogenetic location: 1p21.1.
Variant type: single nucleotide variant.
Coding change: c.2168C>A on transcript NM_001854.4 (MANE Select); coding-DNA position 2168, C replaced by A.
Protein change: p.Ala723Asp; replaces alanine 723 with aspartic acid.
Molecular consequence: missense variant. On other transcripts: non-coding transcript variant (1).
Genome position (GRCh38, 1-based): chr1:102,998,338, G>T on the plus strand (C>A on the coding strand, the complement: COL11A1 is on the minus strand). VCF-style: chr1-102998338-G-T. GRCh37 (hg19) VCF-style: chr1-103463894-G-T.
Other names: c.2051C>A, p.Ala684Asp (NM_001190709.2); c.2204C>A, p.Ala735Asp (NM_080629.3); c.1820C>A, p.Ala607Asp (NM_080630.4); c.2168C>A (NM_001854.3); short protein forms A735D, A684D, A607D, A723D.
Identifiers: ClinVar variation 1403791 (VCV001403791.11), dbSNP rs758354863, ClinGen allele CA974570.
Genomic context (GRCh38, chr1:102,998,338, plus strand): 5'-GAAATTTTAATGACCAGGTAGCTGTTACTTACAGGAGGCCCATCAGCACCAGGAAGTCCA[G>T]CAAGTCCTGGTTTTCCTTGTGGTCCCTTATAGAGAAAAAAAAAATATTAAAAAGATAAAA-3'
Protein context (NP_001845.3, residues 713-733): EKGPQGKPGL[Ala723Asp]GLPGADGPPG

ClinVar aggregate classification (germline): Conflicting classifications of pathogenicity. Review status: criteria provided, conflicting classifications (1 of 4 stars). 4 submissions from 4 submitters: Uncertain significance (3); Likely benign (1). Last evaluated 2026-03-25.

Conditions:
Inborn genetic diseases. Identifiers: MedGen C0950123, MeSH D030342.

Allele frequency attached by ClinVar (database versions not stated): ExAC 0.00001; gnomAD exomes 0.00001 and 0.00002; TOPMed 0.00002; gnomAD 0.00005.
gnomAD v4.1: 33 of 1,604,702 alleles (0.0021%); highest among the groups gnomAD compares: Non-Finnish European, 0.0026%; no homozygotes.

Submissions (4):

GeneDx
Classification: Uncertain significance. Last evaluated: 2026-03-25. Review status: criteria provided, single submitter. Criteria: GeneDx Variant Classification Process June 2021. Collection method: clinical testing. Allele origin: germline.
Comment: Not observed at significant frequency in large population cohorts (gnomAD); In silico analysis suggests that this missense variant does not alter protein structure/function; Has not been previously published as pathogenic or benign to our knowledge

Labcorp Genetics (formerly Invitae), Labcorp
Classification: Likely benign. Last evaluated: 2026-02-01. Review status: criteria provided, single submitter. Criteria: Invitae Variant Classification Sherloc (09022015). Collection method: clinical testing. Allele origin: germline.

Ambry Genetics
Classification: Uncertain significance for Inborn genetic diseases. Last evaluated: 2024-09-30. Review status: criteria provided, single submitter. Criteria: Ambry Variant Classification Scheme 2023. Collection method: clinical testing. Allele origin: germline.

Blueprint Genetics
Classification: Uncertain significance. Last evaluated: 2024-04-15. Review status: criteria provided, single submitter. Criteria: ACMG Guidelines, 2015. Collection method: clinical testing. Allele origin: germline.